The following is an entry in ClinVar:

ClinVar aggregate classification (germline): Pathogenic. Review status: reviewed by expert panel (3 of 4 stars). 38 submissions from 38 submitters: Pathogenic (1). 37 of the submissions do not count toward it. Last evaluated 2015-08-10.

Conditions:
Inherited breast cancer and ovarian cancer.
BRCA2-related disorder. Also called: BRCA2-related condition; BRCA2-related disorders. Identifiers: MedGen CN239275.
Breast and/or ovarian cancer. Identifiers: MedGen CN221562.
Prostate cancer. Also called: Malignant tumor of prostate. Identifiers: Orphanet 1331, MedGen C0376358, MONDO:0008315, HP:0012125.
Medulloblastoma (MDB). Also called: MEDULLOBLASTOMA PREDISPOSITION SYNDROME; Medulloblastoma, somatic. Identifiers: Orphanet 616, MedGen C0025149, MeSH D008527, MONDO:0007959, OMIM 155255, HP:0002885.
Breast-ovarian cancer, familial, susceptibility to, 2 (BROVCA2). Also called: BRCA2 Hereditary Breast and Ovarian Cancer. Identifiers: Orphanet 145, MedGen C2675520, MONDO:0012933, OMIM 612555. Disease mechanism: loss of function.
Fanconi anemia complementation group D1. Also called: BRCA2-Related Fanconi Anemia. Identifiers: Orphanet 319462, MedGen C1838457, MONDO:0011584, OMIM 605724.
Wilms tumor 1 (WT1). Also called: Wilms tumor, somatic. Identifiers: Orphanet 654, MedGen CN033288, MONDO:0008679, OMIM 194070.
Pancreatic cancer, susceptibility to, 2. Identifiers: Orphanet 1333, MedGen C3150546, MONDO:0013235, OMIM 613347.
Glioma susceptibility 3 (GLM3). Also called: Glioblastoma 3. Identifiers: Orphanet 182067, Orphanet 360, MedGen C2751641, MONDO:0013093, OMIM 613029.
Familial cancer of breast. Also called: BREAST CANCER, FAMILIAL; hereditary breast carcinoma; Hereditary breast cancer. Identifiers: Orphanet 227535, MedGen C0346153, MONDO:0016419, OMIM 114480. Disease mechanism: loss of function.
Hereditary cancer-predisposing syndrome. Also called: Hereditary Cancer Syndrome; Tumor predisposition; Neoplastic Syndromes, Hereditary; Hereditary neoplastic syndrome. Identifiers: Orphanet 140162, MedGen C0027672, MeSH D009386, MONDO:0015356.
Carcinoma of pancreas. Also called: PANCREATIC ACINAR CARCINOMA; PANCREATIC CARCINOMA; Exocrine pancreatic carcinoma; Pancreatic cancer, somatic; Pancreatic carcinoma, somatic. Identifiers: Orphanet 1333, Orphanet 217074, MedGen C0235974, MONDO:0005192. Disease mechanism: loss of function.
Hereditary breast ovarian cancer syndrome. Also called: Breast and ovarian cancer; BRCA1- and BRCA2-Associated Hereditary Breast and Ovarian Cancer; Hereditary breast and ovarian cancer; Hereditary breast and ovarian cancer syndrome (HBOC); Hereditary breast and ovarian cancer syndrome; Hereditary breast and/or ovarian cancer syndrome. Identifiers: Orphanet 145, MedGen C0677776, MeSH D061325, MONDO:0003582. Disease mechanism: loss of function.
Breast-ovarian cancer, familial, susceptibility to, 1 (BROVCA1). Also called: BRCA1 Hereditary Breast and Ovarian Cancer; OVARIAN CANCER, SUSCEPTIBILITY TO. Identifiers: Orphanet 145, MedGen C2676676, MONDO:0011450, OMIM 604370. Disease mechanism: loss of function.
Malignant tumor of breast. Also called: Malignant breast neoplasm; Cancer breast. Identifiers: MedGen C0006142, MONDO:0007254. Disease mechanism: loss of function.

Allele frequency attached by ClinVar (database versions not stated): gnomAD 0.00001; gnomAD exomes 0.00001; TOPMed 0.00001.
gnomAD v4.1: 21 of 1,614,046 alleles (0.0013%); highest among the groups gnomAD compares: Non-Finnish European, 0.0018%; no homozygotes.

Submissions 1 to 9 of 38:

Evidence-based Network for the Interpretation of Germline Mutant Alleles (ENIGMA)
Classification: Pathogenic for Breast-ovarian cancer, familial 2. Last evaluated: 2015-08-10. Review status: reviewed by expert panel. Criteria: ENIGMA BRCA1/2 Classification Criteria (2015). Collection method: curation. Allele origin: germline.
Comment: IARC class based on posterior probability from multifactorial likelihood analysis, thresholds for class as per Plon et al. 2008 (PMID: 18951446). Class 5 based on posterior probability = 1

PreventionGenetics, part of Exact Sciences
Classification: Pathogenic for BRCA2-related condition. Last evaluated: 2026-08-31. Review status: criteria provided, single submitter. Criteria: ACMG Guidelines, 2015. Collection method: clinical testing. Allele origin: germline. Not counted in ClinVar's aggregate classification.
Comment: The BRCA2 c.8167G>C variant is predicted to result in the amino acid substitution p.Asp2723His. This variant has been documented in multiple individuals with breast and ovarian cancer and has been shown to cause defective DNA repair (Goldgar et al. 2004. PubMed ID: 15290653; Karchin et al. 2008. PubMed ID: 19043619; Guidugli et al. 2013. PubMed ID: 23108138; Guidugli et al. 2018. PubMed ID: 29394989). This variant has not been reported in a large population database (gnomAD), indicating it is rare and is interpreted as pathogenic in ClinVar, including by the ENIGMA expert panel (Variation ID: 52515). Other variants that alter the Asp2723 amino acid have been reported as pathogenic in ClinVar as well (Variation IDs: 140975, 52516, 38141). We interpret the c.8167G>C variant as pathogenic.

Labcorp Genetics (formerly Invitae), Labcorp
Classification: Pathogenic for Hereditary breast ovarian cancer syndrome. Last evaluated: 2026-01-25. Review status: criteria provided, single submitter. Criteria: Invitae Variant Classification Sherloc (09022015). Collection method: clinical testing. Allele origin: germline. Not counted in ClinVar's aggregate classification.
Comment: This sequence change replaces aspartic acid, which is acidic and polar, with histidine, which is basic and polar, at codon 2723 of the BRCA2 protein (p.Asp2723His). This variant is not present in population databases (gnomAD no frequency). This missense change has been observed in individual(s) with breast and ovarian cancer (PMID: 11207042, 15290653, 16489001, 23961350, 24728189). It has also been observed to segregate with disease in related individuals. ClinVar contains an entry for this variant (Variation ID: 52515). Invitae Evidence Modeling incorporating data from in vitro experimental studies (PMID: 33609447) indicates that this missense variant is expected to disrupt BRCA2 function with a positive predictive value of 95%. Experimental studies have shown that this missense change affects BRCA2 function (PMID: 15695382, 18607349, 23108138, 24013206, 25146914). This variant disrupts the p.Asp2723 amino acid residue in BRCA2. Other variant(s) that disrupt this residue have been determined to be pathogenic (PMID: 21990134). This suggests that this residue is clinically significant, and that variants that disrupt this residue are likely to be disease-causing. For these reasons, this variant has been classified as Pathogenic.

Institute of Immunology and Genetics Kaiserslautern
Classification: Pathogenic for Breast-ovarian cancer, familial, susceptibility to, 1. Last evaluated: 2026-01-20. Review status: criteria provided, single submitter. Criteria: ACMG Guidelines, 2015. Collection method: clinical testing. Allele origin: germline. Affected: yes. Not counted in ClinVar's aggregate classification.
Comment: ACMG Criteria: PS3, PS4, PM1, PM2_P, PM5, PP1, PP3.

Praxis Für Humangenetik, Biosciencia MVZ Labor Saar
Classification: Pathogenic for Hereditary cancer-predisposing syndrome. Last evaluated: 2025-12-17. Review status: criteria provided, single submitter. Criteria: ACMG Guidelines, 2015. Collection method: clinical testing. Allele origin: germline. Not counted in ClinVar's aggregate classification.
Comment: PVS1, PM2

Color Diagnostics, LLC DBA Color Health
Classification: Pathogenic for Hereditary cancer-predisposing syndrome. Last evaluated: 2025-11-04. Review status: criteria provided, single submitter. Criteria: ACMG Guidelines, 2015. Collection method: clinical testing. Allele origin: germline. Not counted in ClinVar's aggregate classification.
Comment: This missense variant replaces aspartic acid with histidine at codon 2723 in the DNA binding domain of the BRCA2 protein. Computational prediction suggests that this variant may have deleterious impact on protein structure and function. Functional studies have shown that this variant causes the mislocalization of BRCA2 to the cytoplasm (PMID: 15695382, 18607349, 24013206) and disrupts BRCA2 function, including in homology-directed DNA repair assays, in the rescue of BRCA2-deficiency in cell growth and sensitivity to cisplatin, PARP inhibitors and in a haploid cell proliferation assay (PMID: 15695382, 18607349, 19043619, 23108138, 25146914, 29988080, 32444794, 35736817, 39779848). This variant has been reported in over a dozen individuals affected with breast and/or ovarian cancer (PMID: PMID: 11207042, 23961350, 24052750, 24728189, 33471991Leiden Open Variation Database DB-ID BRCA2_000290) and with prostate cancer (PMID: 23569316). Multifactorial analysis reached a combined likelihood ratio (LR) of 6605609.199 based on case-control LR and personal and family history LR for 21 carriers (PMID: 31853058, 40413188). This variant has not been identified in the general population by the Genome Aggregation Database (gnomAD). Based on the available evidence, this variant is classified as Pathogenic.

Cambridge Genomics Laboratory, East Genomic Laboratory Hub, NHS Genomic Medicine Service
Classification: Pathogenic for Inherited breast cancer and ovarian cancer. Last evaluated: 2025-09-18. Review status: criteria provided, single submitter. Criteria: ACGS Best Practice Guidelines for Variant Classification in Rare Disease 2020. Collection method: clinical testing. Allele origin: germline. Affected: yes. Not counted in ClinVar's aggregate classification.
Comment: PS3,PS4_Very Strong,PM2_Supporting,PP3

Mayo Clinic Laboratories, Mayo Clinic
Classification: Pathogenic. Last evaluated: 2025-09-09. Review status: criteria provided, single submitter. Criteria: ACMG Guidelines, 2015. Collection method: clinical testing. Allele origin: germline. Observed: 1 variant allele. Not counted in ClinVar's aggregate classification.
Comment: PP1_moderate, PP4_strong, PM2_supporting, PS3

Institute of Human Genetics, FAU Erlangen, Friedrich-Alexander-Universität Erlangen-Nürnberg
Classification: Pathogenic. Last evaluated: 2025-05-22. Review status: criteria provided, single submitter. Criteria: Hauer et al. (Genet Med. 2018). Collection method: clinical testing. Allele origin: germline. Inheritance: Unknown mechanism. Affected: yes. Observed: 1 variant allele. Not counted in ClinVar's aggregate classification.
Comment: This variant has been identified by standard clinical testing.

NM_000059.4(BRCA2):c.8167G>C (p.Asp2723His)

Gene: BRCA2 (BRCA2 DNA repair associated; plus strand). Cytogenetic location: 13q13.1.
Variant type: single nucleotide variant.
Coding change: c.8167G>C on transcript NM_000059.4 (MANE Select); coding-DNA position 8167, G replaced by C.
Protein change: p.Asp2723His; replaces aspartic acid 2723 with histidine.
Molecular consequence: missense variant.
Genome position (GRCh38, 1-based): chr13:32,363,369, G>C. VCF-style: chr13-32363369-G-C. GRCh37 (hg19) VCF-style: chr13-32937506-G-C.
Other names: p.D2723H:GAT>CAT; NP_000050.3:p.Asp2723His; 8395G>C; c.8167G>C (NM_001432077.1); short protein forms D2723H.
Identifiers: ClinVar variation 52515 (VCV000052515.125), dbSNP rs41293511, ClinGen allele CA025482.
Genomic context (GRCh38, chr13:32,363,369, plus strand): 5'-ACTTCTAGCAATAAAACTAGTAGTGCAGATACCCAAAAAGTGGCCATTATTGAACTTACA[G>C]ATGGGTGGTATGCTGTTAAGGCCCAGTTAGATCCTCCCCTCTTAGCTGTCTTAAAGAATG-3'
Protein context (NP_000050.3, residues 2713-2733): TQKVAIIELT[Asp2723His]GWYAVKAQLD